The following is an entry in ClinVar:

ClinVar aggregate classification (germline): Uncertain significance (1 of 4 stars; one submission).

Conditions:
Familial focal epilepsy with variable foci (FPEVF). Identifiers: Orphanet 98820, MedGen C1858477, MONDO:0020310.

Submission:

Labcorp Genetics (formerly Invitae), Labcorp
Classification: Uncertain significance for Familial focal epilepsy with variable foci. Last evaluated: 2025-09-08. Review status: criteria provided, single submitter. Criteria: Invitae Variant Classification Sherloc (09022015). Collection method: clinical testing. Allele origin: germline.
Comment: This sequence change replaces serine, which is neutral and polar, with phenylalanine, which is neutral and non-polar, at codon 720 of the DEPDC5 protein (p.Ser720Phe). This variant is not present in population databases (gnomAD no frequency). This variant has not been reported in the literature in individuals affected with DEPDC5-related conditions. ClinVar contains an entry for this variant (Variation ID: 2698922). Experimental studies and prediction algorithms are not available or were not evaluated, and the functional significance of this variant is currently unknown. In summary, the available evidence is currently insufficient to determine the role of this variant in disease. Therefore, it has been classified as a Variant of Uncertain Significance.

NM_001242896.3(DEPDC5):c.2159C>T (p.Ser720Phe)

Gene: DEPDC5 (DEP domain containing 5, GATOR1 subcomplex subunit; plus strand). Cytogenetic location: 22q12.3.
Variant type: single nucleotide variant.
Coding change: c.2159C>T on transcript NM_001242896.3 (MANE Select); coding-DNA position 2159, C replaced by T.
Protein change: p.Ser720Phe; replaces serine 720 with phenylalanine.
Molecular consequence: missense variant. On other transcripts: non-coding transcript variant (5).
Genome position (GRCh38, 1-based): chr22:31,833,969, C>T. VCF-style: chr22-31833969-C-T. GRCh37 (hg19) VCF-style: chr22-32229955-C-T.
Other names: c.2159C>T, p.Ser720Phe (NM_001136029.4, NM_001363852.2, NM_001364318.2 and 3 more transcripts); c.1925C>T, p.Ser642Phe (NM_001242897.2, NM_001363854.2, NM_001364319.2); c.2075C>T, p.Ser692Phe (NM_001369901.1, NM_001369902.1); short protein forms S692F, S642F, S720F.
Identifiers: ClinVar variation 2698922 (VCV002698922.3), dbSNP rs2519791191, ClinGen allele CA411284346.